The following is an entry in ClinVar:

ClinVar aggregate classification (germline): Pathogenic/Likely pathogenic. Review status: criteria provided, multiple submitters, no conflicts (2 of 4 stars). 3 submissions from 3 submitters: Pathogenic (2); Likely pathogenic (1). Last evaluated 2026-08-14.

Conditions:
Hereditary cancer-predisposing syndrome. Also called: Hereditary Cancer Syndrome; Neoplastic Syndromes, Hereditary; Tumor predisposition; Hereditary neoplastic syndrome. Identifiers: Orphanet 140162, MedGen C0027672, MeSH D009386, MONDO:0015356.
Ataxia-telangiectasia syndrome (AT). Also called: Cerebello-oculocutaneous telangiectasia; Immunodeficiency with ataxia telangiectasia; Ataxia-telangiectasia, complementation group E; Ataxia-telangiectasia, complementation group D; AT, COMPLEMENTATION GROUP C; ATAXIA-TELANGIECTASIA, COMPLEMENTATION GROUP A. Identifiers: Orphanet 100, MedGen C0004135, MONDO:0008840, OMIM 208900.
Familial cancer of breast. Also called: BREAST CANCER, FAMILIAL; Hereditary breast cancer; hereditary breast carcinoma. Identifiers: Orphanet 227535, MedGen C0346153, MONDO:0016419, OMIM 114480. Disease mechanism: loss of function.

Submissions (3):

Ambry Genetics
Classification: Likely pathogenic for Hereditary cancer-predisposing syndrome. Last evaluated: 2026-08-14. Review status: criteria provided, single submitter. Criteria: Ambry Variant Classification Scheme 2023. Collection method: clinical testing. Allele origin: germline.
Comment: The c.9073delG variant, located in coding exon 62 of the ATM gene, results from a deletion of one nucleotide at nucleotide position 9073, causing a translational frameshift with a predicted alternate stop codon (p.V3025Cfs*8). This variant occurs at the 3' terminus of the gene, is not expected to trigger nonsense-mediated mRNA decay, and impacts the last 1% of the protein. However, premature stop codons are typically deleterious in nature. This variant is considered to be rare based on population cohorts in the Genome Aggregation Database (gnomAD). Based on the majority of available evidence to date, this variant is likely to be pathogenic.

Myriad Genetics, Inc.
Classification: Pathogenic for Familial cancer of breast. Last evaluated: 2024-02-06. Review status: criteria provided, single submitter. Criteria: Myriad Autosomal Dominant, Autosomal Recessive and X-Linked Classification Criteria (2023). Collection method: clinical testing. Allele origin: unknown.
Comment: This variant is considered pathogenic. This variant creates a frameshift predicted to result in premature protein truncation.

Labcorp Genetics (formerly Invitae), Labcorp
Classification: Pathogenic for Ataxia-telangiectasia syndrome. Last evaluated: 2022-09-25. Review status: criteria provided, single submitter. Criteria: Invitae Variant Classification Sherloc (09022015). Collection method: clinical testing. Allele origin: germline.
Comment: This sequence change creates a premature translational stop signal (p.Val3025Cysfs*8) in the ATM gene. While this is not anticipated to result in nonsense mediated decay, it is expected to disrupt the last 32 amino acid(s) of the ATM protein. This variant is not present in population databases (gnomAD no frequency). This variant has not been reported in the literature in individuals affected with ATM-related conditions. ClinVar contains an entry for this variant (Variation ID: 524359). This variant disrupts a region of the ATM protein in which other variant(s) (p.Arg3047*) have been determined to be pathogenic (PMID: 8755918, 10980530, 18560558, 19431188, 19691550, 26628246). This suggests that this is a clinically significant region of the protein, and that variants that disrupt it are likely to be disease-causing. For these reasons, this variant has been classified as Pathogenic.

Literature cited by the submitters: PubMed 8755918 (cited by Labcorp Genetics (formerly Invitae), Labcorp); PubMed 10980530 (cited by Labcorp Genetics (formerly Invitae), Labcorp); PubMed 18560558 (cited by Labcorp Genetics (formerly Invitae), Labcorp); PubMed 19431188 (cited by Labcorp Genetics (formerly Invitae), Labcorp); PubMed 19691550 (cited by Labcorp Genetics (formerly Invitae), Labcorp); PubMed 26628246 (cited by Labcorp Genetics (formerly Invitae), Labcorp).

NM_000051.4(ATM):c.9073del (p.Val3025fs)

Genes: ATM (ATM serine/threonine kinase; plus strand), C11orf65 (chromosome 11 open reading frame 65; minus strand). Cytogenetic location: 11q22.3.
Variant type: Deletion.
Coding change: c.9073del on transcript NM_000051.4 (MANE Select); coding-DNA position 9073, one base deleted (G; older notation c.9073delG).
Protein change: p.Val3025fs; shifts the reading frame from valine 3025.
Molecular consequence: frameshift variant. On other transcripts: intron variant (2).
Genome position (GRCh38, 1-based): chr11:108,365,410, G deleted. VCF-style (leftmost placement, unchanged base first): chr11-108365409-TG-T. GRCh37 (hg19) VCF-style: chr11-108236136-TG-T.
Other names: c.9073del, p.Val3025fs (NM_001351834.2); c.640+20510del (NM_001330368.2); c.694+20510del (NM_001351110.2); short protein forms V3025fs.
Identifiers: ClinVar variation 524359 (VCV000524359.11), dbSNP rs1555151928, ClinGen allele CA658797746.